The following is an entry in ClinVar:

NM_199242.3(UNC13D):c.746G>A (p.Arg249Lys)

Gene: UNC13D (unc-13 homolog D; minus strand). Cytogenetic location: 17q25.1.
Variant type: single nucleotide variant.
Coding change: c.746G>A on transcript NM_199242.3 (MANE Select); coding-DNA position 746, G replaced by A.
Protein change: p.Arg249Lys; replaces arginine 249 with lysine.
Molecular consequence: missense variant.
Genome position (GRCh38, 1-based): chr17:75,840,514, C>T on the plus strand (G>A on the coding strand, the complement: UNC13D is on the minus strand). VCF-style: chr17-75840514-C-T. GRCh37 (hg19) VCF-style: chr17-73836595-C-T.
Other names: short protein forms R249K.
Identifiers: ClinVar variation 2002746 (VCV002002746.4), dbSNP rs2545985514, ClinGen allele CA401110050.

ClinVar aggregate classification (germline): Uncertain significance (1 of 4 stars; one submission).

Conditions:
Familial hemophagocytic lymphohistiocytosis 3 (FHL3). Also called: UNC13D-Related Familial Hemophagocytic Lymphohistiocytosis (UNC13D-fHLH). Identifiers: Orphanet 540, MedGen C1837174, MONDO:0012146, OMIM 608898.

Submission:

Labcorp Genetics (formerly Invitae), Labcorp
Classification: Uncertain significance for Familial hemophagocytic lymphohistiocytosis 3. Last evaluated: 2022-06-07. Review status: criteria provided, single submitter. Criteria: Invitae Variant Classification Sherloc (09022015). Collection method: clinical testing. Allele origin: germline.
Comment: In summary, the available evidence is currently insufficient to determine the role of this variant in disease. Therefore, it has been classified as a Variant of Uncertain Significance. Algorithms developed to predict the effect of missense changes on protein structure and function are either unavailable or do not agree on the potential impact of this missense change (SIFT: "Not Available"; PolyPhen-2: "Benign"; Align-GVGD: "Not Available"). This variant has not been reported in the literature in individuals affected with UNC13D-related conditions. This variant is not present in population databases (gnomAD no frequency). This sequence change replaces arginine, which is basic and polar, with lysine, which is basic and polar, at codon 249 of the UNC13D protein (p.Arg249Lys).